The following is an entry in ClinVar:

NM_000548.5(TSC2):c.1306C>T (p.Pro436Ser)

Gene: TSC2 (TSC complex subunit 2; plus strand). Cytogenetic location: 16p13.3.
Variant type: single nucleotide variant.
Coding change: c.1306C>T on transcript NM_000548.5 (MANE Select); coding-DNA position 1306, C replaced by T.
Protein change: p.Pro436Ser; replaces proline 436 with serine.
Molecular consequence: missense variant.
Genome position (GRCh38, 1-based): chr16:2,062,545, C>T. VCF-style: chr16-2062545-C-T. GRCh37 (hg19) VCF-style: chr16-2112546-C-T.
Other names: c.1306C>T, p.Pro436Ser (NM_001077183.3, NM_001114382.3, NM_001363528.2 and 6 more transcripts); c.1195C>T, p.Pro399Ser (NM_001318827.2, NM_001406670.1, NM_001406678.1); c.1159C>T, p.Pro387Ser (NM_001318829.2, NM_001406675.1, NM_001406676.1 and 1 more transcripts); c.706C>T, p.Pro236Ser (NM_001318831.2, NM_001406680.1, NM_001406682.1 and 6 more transcripts); c.1339C>T, p.Pro447Ser (NM_001318832.2); c.1396C>T, p.Pro466Ser (NM_001406667.1, NM_001406668.1); c.1294C>T, p.Pro432Ser (NM_001406671.1, NM_001406673.1); c.1249C>T, p.Pro417Ser (NM_001406677.1); and 3 more; short protein forms P387S, P447S, P236S, P436S, P399S, P417S, P432S, P282S.
Identifiers: ClinVar variation 2149449 (VCV002149449.5), dbSNP rs1489429320, ClinGen allele CA394322204.
Genomic context (GRCh38, chr16:2,062,545, plus strand): 5'-TTCTTTTGACAGGAGTCCTCCCTCCTGAACCTGATCTCCTATAGAGCGCAGTCCATCCAC[C>T]CGGCCAAGGACGGCTGGATTCAGAACCTGCAGGCGCTGATGGAGAGATTCTTCAGGTAGG-3'
Protein context (NP_000539.2, residues 426-446): LISYRAQSIH[Pro436Ser]AKDGWIQNLQ

ClinVar aggregate classification (germline): Conflicting classifications of pathogenicity. Review status: criteria provided, conflicting classifications (1 of 4 stars). 2 submissions from 2 submitters: Uncertain significance (1); Benign (1). Last evaluated 2025-04-14.

Conditions:
Tuberous sclerosis 2 (TSC2). Identifiers: Orphanet 805, MedGen C1860707, MONDO:0013199, OMIM 613254.
Hereditary cancer-predisposing syndrome. Also called: Neoplastic Syndromes, Hereditary; Hereditary neoplastic syndrome; Hereditary Cancer Syndrome; Tumor predisposition. Identifiers: Orphanet 140162, MedGen C0027672, MeSH D009386, MONDO:0015356.

Allele frequency attached by ClinVar (database versions not stated): gnomAD exomes below 0.00001.

Submissions (2):

Ambry Genetics
Classification: Uncertain significance for Hereditary cancer-predisposing syndrome. Last evaluated: 2025-04-14. Review status: criteria provided, single submitter. Criteria: Ambry Variant Classification Scheme 2023. Collection method: clinical testing. Allele origin: germline.
Comment: The p.P436S variant (also known as c.1306C>T), located in coding exon 12 of the TSC2 gene, results from a C to T substitution at nucleotide position 1306. The proline at codon 436 is replaced by serine, an amino acid with similar properties. This amino acid position is highly conserved in available vertebrate species. In addition, this alteration is predicted to be deleterious by in silico analysis. Based on the available evidence, the clinical significance of this variant remains unclear.

Labcorp Genetics (formerly Invitae), Labcorp
Classification: Benign for Tuberous sclerosis 2. Last evaluated: 2023-06-04. Review status: criteria provided, single submitter. Criteria: Invitae Variant Classification Sherloc (09022015). Collection method: clinical testing. Allele origin: germline.